The following is an entry in ClinVar:

ClinVar aggregate classification (germline): Benign/Likely benign. Review status: criteria provided, multiple submitters, no conflicts (2 of 4 stars). 6 submissions from 6 submitters: Benign (2); Likely benign (4). Last evaluated 2025-11-21.

Conditions:
Classic or attenuated familial adenomatous polyposis. Identifiers: MedGen CN372698, MONDO:0021057.
Hereditary cancer-predisposing syndrome. Also called: Tumor predisposition; Hereditary neoplastic syndrome; Neoplastic Syndromes, Hereditary; Hereditary Cancer Syndrome. Identifiers: Orphanet 140162, MedGen C0027672, MeSH D009386, MONDO:0015356.
Familial adenomatous polyposis 1 (FAP1). Also called: FAMILIAL ADENOMATOUS POLYPOSIS 1, ATTENUATED; POLYPOSIS, ADENOMATOUS INTESTINAL. Identifiers: MedGen C2713442, MONDO:0021056, OMIM 175100. Disease mechanism: loss of function.

Allele frequency attached by ClinVar (database versions not stated): gnomAD exomes 0.00001 and 0.00002; TOPMed 0.00001.
gnomAD v4.1: 5 of 1,614,182 alleles (0.00031%); highest among the groups gnomAD compares: Admixed American, 0.0083%; no homozygotes.

Submissions (6):

Labcorp Genetics (formerly Invitae), Labcorp
Classification: Likely benign for Familial adenomatous polyposis 1. Last evaluated: 2025-11-21. Review status: criteria provided, single submitter. Criteria: Invitae Variant Classification Sherloc (09022015). Collection method: clinical testing. Allele origin: germline.

All of Us Research Program, National Institutes of Health
Classification: Likely benign for Classic or attenuated familial adenomatous polyposis. Last evaluated: 2024-04-16. Review status: criteria provided, single submitter. Criteria: ACMG Guidelines, 2015. Collection method: clinical testing. Allele origin: germline. Inheritance: Autosomal dominant inheritance. Observed: 2 variant alleles, 2 heterozygotes.
Comment: This study involves interpretation of variants in research participants for the purpose of population health screening. Participant phenotype was not available at the time of variant classification. Additional details can be found in publication PMID: 35346344, PMCID: PMC8962531

Myriad Genetics, Inc.
Classification: Benign for Familial adenomatous polyposis 1. Last evaluated: 2024-03-15. Review status: criteria provided, single submitter. Criteria: Myriad Autosomal Dominant, Autosomal Recessive and X-Linked Classification Criteria (2023). Collection method: clinical testing. Allele origin: unknown.
Comment: This variant is considered benign. This variant is a silent/synonymous amino acid change and it is not expected to impact splicing.

Quest Diagnostics Nichols Institute San Juan Capistrano
Classification: Benign. Last evaluated: 2023-06-13. Review status: criteria provided, single submitter. Criteria: Quest Diagnostics criteria. Collection method: clinical testing. Allele origin: unknown.

Color Diagnostics, LLC DBA Color Health
Classification: Likely benign for Hereditary cancer-predisposing syndrome. Last evaluated: 2022-03-21. Review status: criteria provided, single submitter. Criteria: ACMG Guidelines, 2015. Collection method: clinical testing. Allele origin: germline.

Ambry Genetics
Classification: Likely benign for Hereditary cancer-predisposing syndrome. Last evaluated: 2018-06-06. Review status: criteria provided, single submitter. Criteria: Ambry Variant Classification Scheme 2023. Collection method: clinical testing. Allele origin: germline.

NM_000038.6(APC):c.2802T>G (p.Thr934=)

Gene: APC (APC regulator of Wnt signaling pathway; plus strand). Cytogenetic location: 5q22.2.
Variant type: single nucleotide variant.
Coding change: c.2802T>G on transcript NM_000038.6 (MANE Select); coding-DNA position 2802, T replaced by G.
Protein change: p.Thr934=; no amino-acid change (threonine 934 retained).
Molecular consequence: synonymous variant.
Genome position (GRCh38, 1-based): chr5:112,838,396, T>G. VCF-style: chr5-112838396-T-G. GRCh37 (hg19) VCF-style: chr5-112174093-T-G.
Other names: c.2802T>G, p.Thr934= (NM_001127510.3, NM_001354895.2); c.2748T>G, p.Thr916= (NM_001127511.3); c.2856T>G, p.Thr952= (NM_001354896.2); c.2832T>G, p.Thr944= (NM_001354897.2); c.2727T>G, p.Thr909= (NM_001354898.2); c.2718T>G, p.Thr906= (NM_001354899.2); c.2679T>G, p.Thr893= (NM_001354900.2); c.2625T>G, p.Thr875= (NM_001354901.2); and 5 more.
Identifiers: ClinVar variation 747865 (VCV000747865.18), dbSNP rs1007581628, ClinGen allele CA125167769.